The following is an entry in ClinVar:

NM_015311.3(OBSL1):c.1734G>A (p.Pro578=)

Gene: OBSL1 (obscurin like cytoskeletal adaptor 1; minus strand). Cytogenetic location: 2q35.
Variant type: single nucleotide variant.
Coding change: c.1734G>A on transcript NM_015311.3 (MANE Select); coding-DNA position 1734, G replaced by A.
Protein change: p.Pro578=; no amino-acid change (proline 578 retained).
Molecular consequence: synonymous variant.
Genome position (GRCh38, 1-based): chr2:219,567,376, C>T on the plus strand (G>A on the coding strand, the complement: OBSL1 is on the minus strand). VCF-style: chr2-219567376-C-T. GRCh37 (hg19) VCF-style: chr2-220432098-C-T.
Other names: c.1734G>A, p.Pro578= (NM_001173408.2, NM_001173431.2).
Identifiers: ClinVar variation 715760 (VCV000715760.38), dbSNP rs181182663, ClinGen allele CA2131447.

ClinVar aggregate classification (germline): Benign/Likely benign. Review status: criteria provided, multiple submitters, no conflicts (2 of 4 stars). 3 submissions from 3 submitters: Benign (1); Likely benign (2). Last evaluated 2026-01-28.

Conditions:
3M syndrome 2. Also called: 3-M Syndrome, OBSL1-Related; THREE M SYNDROME 2. Identifiers: Orphanet 2616, MedGen C2752041, MONDO:0013039, OMIM 612921.

Allele frequency attached by ClinVar (database versions not stated): ESP Exome Variant Server 0.00163; TOPMed 0.00170; gnomAD 0.00256 and 0.00260; 1000 Genomes Project 30x 0.00265; 1000 Genomes Project 0.00280; gnomAD exomes 0.00308 and 0.00340; ExAC 0.00384.
gnomAD v4.1: 4,888 of 1,612,700 alleles (0.3%); highest among the groups gnomAD compares: South Asian, 0.45%; 26 homozygotes.

Submissions (3):

Labcorp Genetics (formerly Invitae), Labcorp
Classification: Benign. Last evaluated: 2026-01-28. Review status: criteria provided, single submitter. Criteria: Invitae Variant Classification Sherloc (09022015). Collection method: clinical testing. Allele origin: germline.

CeGaT Center for Human Genetics Tuebingen
Classification: Likely benign. Last evaluated: 2025-05-01. Review status: criteria provided, single submitter. Criteria: CeGaT Center For Human Genetics Tuebingen Variant Classification Criteria Version 2. Collection method: clinical testing. Allele origin: germline. Affected: yes. Observed: 4 variant alleles.
Comment: OBSL1: BP4, BP7, BS2

Illumina Laboratory Services, Illumina
Classification: Likely benign for 3M syndrome 2. Last evaluated: 2018-01-13. Review status: criteria provided, single submitter. Criteria: ICSL Variant Classification Criteria 13 December 2019. Collection method: clinical testing. Allele origin: germline.
Comment: This variant was observed in the ICSL laboratory as part of a predisposition screen in an ostensibly healthy population. It had not been previously curated by ICSL or reported in the Human Gene Mutation Database (HGMD: prior to June 1st, 2018), and was therefore a candidate for classification through an automated scoring system. Utilizing variant allele frequency, disease prevalence and penetrance estimates, and inheritance mode, an automated score was calculated to assess if this variant is too frequent to cause the disease. Based on the score and internal cut-off values, a variant classified as likely benign is not then subjected to further curation. The score for this variant resulted in a classification of likely benign for this disease.